The following is an entry in ClinVar:

NM_001291867.2(NHS):c.3639T>A (p.Asp1213Glu)

Gene: NHS (NHS actin remodeling regulator; plus strand). Cytogenetic location: Xp22.13.
Variant type: single nucleotide variant.
Coding change: c.3639T>A on transcript NM_001291867.2 (MANE Select); coding-DNA position 3639, T replaced by A.
Protein change: p.Asp1213Glu; replaces aspartic acid 1213 with glutamic acid.
Molecular consequence: missense variant.
Genome position (GRCh38, 1-based): chrX:17,727,745, T>A. VCF-style: chrX-17727745-T-A. GRCh37 (hg19) VCF-style: chrX-17745865-T-A.
Other names: c.3108T>A, p.Asp1036Glu (NM_001136024.4); c.3045T>A, p.Asp1015Glu (NM_001291868.2); c.3300T>A, p.Asp1100Glu (NM_001440780.1); c.3576T>A, p.Asp1192Glu (NM_198270.4); short protein forms D1015E, D1036E, D1192E, D1100E, D1213E.
Identifiers: ClinVar variation 4998231 (VCV004998231.1).

ClinVar aggregate classification (germline): Uncertain significance (1 of 4 stars; one submission).

Conditions:
NHS-related disorder. Also called: NHS-related condition.

gnomAD v4.1: 2 of 1,209,824 alleles (0.00017%); highest among the groups gnomAD compares: African/African-American, 0.0035%; no homozygotes.

Submission:

PreventionGenetics, part of Exact Sciences
Classification: Uncertain significance for NHS-related condition. Last evaluated: 2024-11-04. Review status: criteria provided, single submitter. Criteria: ACMG Guidelines, 2015. Collection method: clinical testing. Allele origin: germline.
Comment: The NHS c.3576T>A variant is predicted to result in the amino acid substitution p.Asp1192Glu. To our knowledge, this variant has not been reported in the literature. This variant is reported in 0.0076% of alleles in individuals of African descent in gnomAD. At this time, the clinical significance of this variant is uncertain due to the absence of conclusive functional and genetic evidence.